The following is an entry in ClinVar:

ClinVar aggregate classification (germline): Pathogenic (1 of 4 stars; one submission).

Conditions:
Drash syndrome (DDS). Also called: NEPHROPATHY, WILMS TUMOR, AND GENITAL ANOMALIES; WILMS TUMOR AND PSEUDO- OR TRUE HERMAPHRODITISM. Identifiers: Orphanet 220, MedGen C0950121, MONDO:0008682, OMIM 194080.
Wilms tumor 1 (WT1). Also called: Wilms tumor, somatic. Identifiers: Orphanet 654, MedGen CN033288, MONDO:0008679, OMIM 194070.
11p partial monosomy syndrome (WAGR). Also called: WAGR syndrome; WAGR Complex; CHROMOSOME 11p13 DELETION SYNDROME; WAGR Spectrum Disorder. Identifiers: Orphanet 893, MedGen C0206115, MONDO:0008681, OMIM 194072.
Frasier syndrome. Identifiers: Orphanet 347, MedGen C0950122, MeSH D052159, MONDO:0007635, OMIM 136680.

Submission:

Labcorp Genetics (formerly Invitae), Labcorp
Classification: Pathogenic for Wilms tumor 1; Drash syndrome; 11p partial monosomy syndrome; Frasier syndrome. Last evaluated: 2023-08-01. Review status: criteria provided, single submitter. Criteria: Invitae Variant Classification Sherloc (09022015). Collection method: clinical testing. Allele origin: germline.
Comment: This sequence change creates a premature translational stop signal (p.Gln209*) in the WT1 gene. It is expected to result in an absent or disrupted protein product. Loss-of-function variants in WT1 are known to be pathogenic (PMID: 15150775). This variant is not present in population databases (gnomAD no frequency). This variant has not been reported in the literature in individuals affected with WT1-related conditions. For these reasons, this variant has been classified as Pathogenic.

Literature cited by the submitters: PubMed 15150775.

NM_024426.6(WT1):c.640C>T (p.Gln214Ter)

Genes: WT1 (WT1 transcription factor; minus strand), LOC107982234 (WT1/WT1-AS bi-directional promoter region; plus strand). Cytogenetic location: 11p13.
Variant type: single nucleotide variant.
Coding change: c.640C>T on transcript NM_024426.6 (MANE Select); coding-DNA position 640, C replaced by T.
Protein change: p.Gln214Ter; replaces glutamine 214 with a stop codon.
Molecular consequence: nonsense. On other transcripts: non-coding transcript variant (2).
Genome position (GRCh38, 1-based): chr11:32,434,721, G>A on the plus strand (C>T on the coding strand, the complement: WT1 is on the minus strand). VCF-style: chr11-32434721-G-A. GRCh37 (hg19) VCF-style: chr11-32456267-G-A.
Other names: c.640C>T, p.Gln214Ter (NM_000378.6, NM_001407044.1, NM_001407045.1 and 6 more transcripts); c.625C>T, p.Gln209Ter (NM_024425.2); short protein forms Q209*, Q214*.
Identifiers: ClinVar variation 2935211 (VCV002935211.3), dbSNP rs2133101249, ClinGen allele CA379964449.
Genomic context (GRCh38, chr11:32,434,721, plus strand): 5'-ACTGCCCCGCGCGTAGGGGGCGCTCCCCGGCCTACTTACCCTGATTGCGAATAGCGGGCT[G>A]GCTCTCGAGGCAGCTGGGCAGGTAGGGCGCGTTAGGAAACATCCTGGCCTGGCCGGATGA-3'